The following is an entry in ClinVar:

NM_014425.5(INVS):c.538G>A (p.Val180Ile)

Gene: INVS (inversin; plus strand). Cytogenetic location: 9q31.1.
Variant type: single nucleotide variant.
Coding change: c.538G>A on transcript NM_014425.5 (MANE Select); coding-DNA position 538, G replaced by A.
Protein change: p.Val180Ile; replaces valine 180 with isoleucine.
Molecular consequence: missense variant. On other transcripts: 5 prime UTR variant (1), non-coding transcript variant (1).
Genome position (GRCh38, 1-based): chr9:100,229,750, G>A. VCF-style: chr9-100229750-G-A. GRCh37 (hg19) VCF-style: chr9-102992032-G-A.
Other names: c.250G>A, p.Val84Ile (NM_001318381.2); c.-452G>A (NM_001318382.2); short protein forms V84I, V180I.
Identifiers: ClinVar variation 1371105 (VCV001371105.3), dbSNP rs1206727122, ClinGen allele CA374360538.

ClinVar aggregate classification (germline): Uncertain significance (1 of 4 stars; one submission).

Conditions:
Nephronophthisis. Also called: Juvenile Nephronophthisis. Identifiers: Orphanet 655, MedGen C0687120, MONDO:0019005, HP:0000090.

Allele frequency attached by ClinVar (database versions not stated): gnomAD exomes below 0.00001; gnomAD 0.00001; TOPMed 0.00001.
gnomAD v4.1: 8 of 1,614,004 alleles (0.0005%); highest among the groups gnomAD compares: Middle Eastern, 0.033%; no homozygotes.

Submission:

Labcorp Genetics (formerly Invitae), Labcorp
Classification: Uncertain significance for Nephronophthisis. Last evaluated: 2021-11-30. Review status: criteria provided, single submitter. Criteria: Invitae Variant Classification Sherloc (09022015). Collection method: clinical testing. Allele origin: germline.
Comment: This sequence change replaces valine, which is neutral and non-polar, with isoleucine, which is neutral and non-polar, at codon 180 of the INVS protein (p.Val180Ile). This variant is not present in population databases (gnomAD no frequency). This variant has not been reported in the literature in individuals affected with INVS-related conditions. Algorithms developed to predict the effect of missense changes on protein structure and function output the following: SIFT: "Tolerated"; PolyPhen-2: "Benign"; Align-GVGD: "Class C0". The isoleucine amino acid residue is found in multiple mammalian species, which suggests that this missense change does not adversely affect protein function. In summary, the available evidence is currently insufficient to determine the role of this variant in disease. Therefore, it has been classified as a Variant of Uncertain Significance.